The following is an entry in ClinVar:

NM_002470.4(MYH3):c.997A>G (p.Thr333Ala)

Gene: MYH3 (myosin heavy chain 3; minus strand). Cytogenetic location: 17p13.1.
Variant type: single nucleotide variant.
Coding change: c.997A>G on transcript NM_002470.4 (MANE Select); coding-DNA position 997, A replaced by G.
Protein change: p.Thr333Ala; replaces threonine 333 with alanine.
Molecular consequence: missense variant.
Genome position (GRCh38, 1-based): chr17:10,645,934, T>C on the plus strand (A>G on the coding strand, the complement: MYH3 is on the minus strand). VCF-style: chr17-10645934-T-C. GRCh37 (hg19) VCF-style: chr17-10549251-T-C.
Other names: short protein forms T333A.
Identifiers: ClinVar variation 3895719 (VCV003895719.1).

ClinVar aggregate classification (germline): Uncertain significance (1 of 4 stars; one submission).

gnomAD v4.1: 1 of 1,613,954 alleles (0.000062%); no homozygotes.

Submission:

Women's Health and Genetics/Laboratory Corporation of America, LabCorp
Classification: Uncertain significance. Last evaluated: 2025-03-11. Review status: criteria provided, single submitter. Criteria: LabCorp Variant Classification Summary - May 2015. Collection method: clinical testing. Allele origin: germline.
Comment: Variant summary: MYH3 c.997A>G (p.Thr333Ala) results in a non-conservative amino acid change in the encoded protein sequence. Four of five in-silico tools predict a damaging effect of the variant on protein function. The variant allele was found at a frequency of 4e-06 in 251324 control chromosomes. The available data on variant occurrences in the general population are insufficient to allow any conclusion about variant significance. To our knowledge, no occurrence of c.997A>G in individuals affected with MYH3-Related Disorders and no experimental evidence demonstrating its impact on protein function have been reported. No submitters have cited clinical-significance assessments for this variant to ClinVar. Based on the evidence outlined above, the variant was classified as uncertain significance.